The following is an entry in ClinVar:

NM_005876.5(SPEG):c.1066AAG[1] (p.Lys357del)

Gene: SPEG (striated muscle enriched protein kinase; plus strand). Cytogenetic location: 2q35.
Variant type: Microsatellite.
Coding change: c.1066AAG[1] on transcript NM_005876.5 (MANE Select); one copy of the 3-base unit AAG starting at c.1066; the reference has two copies in a row; one copy, 3 bases deleted.
Protein change: p.Lys357del; deletes lysine 357.
Molecular consequence: inframe deletion.
Genome position (GRCh38, 1-based): chr2:219,448,227-219,448,229, AAG deleted; deleting any 3 consecutive bases within chr2:219,448,223-219,448,229 gives the same sequence; the position shown is the placement nearest the transcript's 3' end. VCF-style (leftmost placement, unchanged base first): chr2-219448222-GGAA-G. GRCh37 (hg19) VCF-style: chr2-220312944-GGAA-G.
Other names: short protein forms K357del.
Identifiers: ClinVar variation 2114936 (VCV002114936.4), dbSNP rs2545460758, ClinGen allele CA2580616704.

ClinVar aggregate classification (germline): Uncertain significance (1 of 4 stars; one submission).

Submission:

Labcorp Genetics (formerly Invitae), Labcorp
Classification: Uncertain significance. Last evaluated: 2024-10-22. Review status: criteria provided, single submitter. Criteria: Invitae Variant Classification Sherloc (09022015). Collection method: clinical testing. Allele origin: germline.
Comment: This variant, c.1069_1071del, results in the deletion of 1 amino acid(s) of the SPEG protein (p.Lys357del), but otherwise preserves the integrity of the reading frame. This variant is not present in population databases (gnomAD no frequency). This variant has not been reported in the literature in individuals affected with SPEG-related conditions. Experimental studies and prediction algorithms are not available or were not evaluated, and the functional significance of this variant is currently unknown. In summary, the available evidence is currently insufficient to determine the role of this variant in disease. Therefore, it has been classified as a Variant of Uncertain Significance.